The following is an entry in ClinVar:

NM_001003694.2(BRPF1):c.1801G>A (p.Ala601Thr)

Gene: BRPF1 (bromodomain and PHD finger containing 1; plus strand). Cytogenetic location: 3p25.3.
Variant type: single nucleotide variant.
Coding change: c.1801G>A on transcript NM_001003694.2 (MANE Select); coding-DNA position 1801, G replaced by A.
Protein change: p.Ala601Thr; replaces alanine 601 with threonine.
Molecular consequence: missense variant. On other transcripts: non-coding transcript variant (1).
Genome position (GRCh38, 1-based): chr3:9,741,386, G>A. VCF-style: chr3-9741386-G-A. GRCh37 (hg19) VCF-style: chr3-9783070-G-A.
Other names: c.1801G>A, p.Ala601Thr (NM_001319049.2, NM_001319050.2, NM_004634.3); short protein forms A601T.
Identifiers: ClinVar variation 1313023 (VCV001313023.3), dbSNP rs2125504346, ClinGen allele CA351690870.

ClinVar aggregate classification (germline): Uncertain significance. Review status: criteria provided, multiple submitters, no conflicts (2 of 4 stars). 2 submissions from 2 submitters: Uncertain significance (2). Last evaluated 2024-04-01.

Submissions (2):

Women's Health and Genetics/Laboratory Corporation of America, LabCorp
Classification: Uncertain significance. Last evaluated: 2024-04-01. Review status: criteria provided, single submitter. Criteria: LabCorp Variant Classification Summary - May 2015. Collection method: clinical testing. Allele origin: germline.
Comment: Variant summary: BRPF1 c.1801G>A (p.Ala601Thr) results in a non-conservative amino acid change in the encoded protein sequence. Four of five in-silico tools predict a damaging effect of the variant on protein function. The variant was absent in 249652 control chromosomes (gnomAD). The available data on variant occurrences in the general population are insufficient to allow any conclusion about variant significance. To our knowledge, no occurrence of c.1801G>A in individuals affected with Intellectual Developmental Disorder With Dysmorphic Facies And Ptosis and no experimental evidence demonstrating its impact on protein function have been reported. ClinVar contains an entry for this variant (Variation ID: 1313023). Based on the evidence outlined above, the variant was classified as uncertain significance.

GeneDx
Classification: Uncertain significance. Last evaluated: 2020-07-21. Review status: criteria provided, single submitter. Criteria: GeneDx Variant Classification Process June 2021. Collection method: clinical testing. Allele origin: germline. Affected: yes.
Comment: Not observed in large population cohorts (Lek et al., 2016); In silico analysis supports that this missense variant has a deleterious effect on protein structure/function; Has not been previously published as pathogenic or benign to our knowledge